The following is an entry in ClinVar:

NM_001015877.2(PHF6):c.156G>A (p.Leu52=)

Gene: PHF6 (PHD finger protein 6; plus strand). Cytogenetic location: Xq26.2.
Variant type: single nucleotide variant.
Coding change: c.156G>A on transcript NM_001015877.2 (MANE Select); coding-DNA position 156, G replaced by A.
Protein change: p.Leu52=; no amino-acid change (leucine 52 retained).
Molecular consequence: synonymous variant.
Genome position (GRCh38, 1-based): chrX:134,378,022, G>A. VCF-style: chrX-134378022-G-A. GRCh37 (hg19) VCF-style: chrX-133512052-G-A.
Other names: c.156G>A, p.Leu52= (NM_032335.3, NM_032458.3).
Identifiers: ClinVar variation 2428972 (VCV002428972.5), dbSNP rs2520470378, ClinGen allele CA518648289.

ClinVar aggregate classification (germline): Likely pathogenic (1 of 4 stars; one submission).

Submission:

GeneDx
Classification: Likely pathogenic. Last evaluated: 2025-04-01. Review status: criteria provided, single submitter. Criteria: GeneDx Variant Classification Process June 2021. Collection method: clinical testing. Allele origin: germline.
Comment: Has not been previously reported in peer-reviewed literature as pathogenic or benign to our knowledge. However, in an abstract by Chong et al. (2025), RNA studies demonstrate a damaging effect resulting in an in-frame deletion; Not observed at significant frequency in large population cohorts (gnomAD); In silico analysis supports a deleterious effect on splicing; This variant is associated with the following publications: (PMID: Chong2025[abstract])